The following is an entry in ClinVar:

ClinVar aggregate classification (germline): Benign. Review status: criteria provided, single submitter (1 of 4 stars). 2 submissions from 2 submitters: Benign (1). 1 of the submissions does not count toward it. Last evaluated 2026-08-01.

Conditions:
BRWD1-related disorder. Also called: BRWD1-related condition.

Allele frequency attached by ClinVar (database versions not stated): 1000 Genomes Project 30x 0.00297; 1000 Genomes Project 0.00300; ExAC 0.00521; TOPMed 0.00374; ESP Exome Variant Server 0.00415; gnomAD 0.00431.
gnomAD v4.1: 9,818 of 1,613,844 alleles (0.61%); highest among the groups gnomAD compares: East Asian, 1.3%; 56 homozygotes.

Submissions (2):

CeGaT Center for Human Genetics Tuebingen
Classification: Benign. Last evaluated: 2026-08-01. Review status: criteria provided, single submitter. Criteria: CeGaT Center For Human Genetics Tuebingen Variant Classification Criteria Version 2. Collection method: clinical testing. Allele origin: germline. Affected: yes. Observed: 4 variant alleles.
Comment: BRWD1: BP4, BP7, BS1, BS2

PreventionGenetics, part of Exact Sciences
Classification: Benign for BRWD1-related condition. Last evaluated: 2019-03-01. Review status: no assertion criteria provided. Collection method: clinical testing. Allele origin: germline. Not counted in ClinVar's aggregate classification.
Comment: This variant is classified as benign based on ACMG/AMP sequence variant interpretation guidelines (Richards et al. 2015 PMID: 25741868, with internal and published modifications).

NM_033656.4(BRWD1):c.1587G>A (p.Gln529=)

Gene: BRWD1 (bromodomain and WD repeat domain containing 1; minus strand). Cytogenetic location: 21q22.2.
Variant type: single nucleotide variant.
Coding change: c.1587G>A on transcript NM_033656.4 (MANE Select); coding-DNA position 1587, G replaced by A.
Protein change: p.Gln529=; no amino-acid change (glutamine 529 retained).
Molecular consequence: synonymous variant.
Genome position (GRCh38, 1-based): chr21:39,264,963, C>T on the plus strand (G>A on the coding strand, the complement: BRWD1 is on the minus strand). VCF-style: chr21-39264963-C-T. GRCh37 (hg19) VCF-style: chr21-40636889-C-T.
Other names: c.1587G>A, p.Gln529= (NM_018963.5).
Identifiers: ClinVar variation 3055479 (VCV003055479.15), dbSNP rs61739948, ClinGen allele CA10027426.